The following is an entry in ClinVar:

ClinVar aggregate classification (germline): Uncertain significance (1 of 4 stars; one submission).

Conditions:
CACNA2D3-related disorder. Also called: CACNA2D3-related condition.

Allele frequency attached by ClinVar (database versions not stated): gnomAD 0.00001; TOPMed 0.00004.
gnomAD v4.1: 4 of 1,547,228 alleles (0.00026%); highest among the groups gnomAD compares: Admixed American, 0.0044%; no homozygotes.

Submission:

PreventionGenetics, part of Exact Sciences
Classification: Uncertain significance for CACNA2D3-related condition. Last evaluated: 2022-11-09. Review status: criteria provided, single submitter. Criteria: ACMG Guidelines, 2015. Collection method: clinical testing. Allele origin: germline.
Comment: The CACNA2D3 c.2812C>T variant is predicted to result in the amino acid substitution p.Leu938Phe. To our knowledge, this variant has not been reported in the literature or in a large population database, indicating this variant is rare. At this time, the clinical significance of this variant is uncertain due to the absence of conclusive functional and genetic evidence.

NM_018398.3(CACNA2D3):c.2812C>T (p.Leu938Phe)

Gene: CACNA2D3 (calcium voltage-gated channel auxiliary subunit alpha2delta 3; plus strand). Cytogenetic location: 3p14.3.
Variant type: single nucleotide variant.
Coding change: c.2812C>T on transcript NM_018398.3 (MANE Select); coding-DNA position 2812, C replaced by T.
Protein change: p.Leu938Phe; replaces leucine 938 with phenylalanine.
Molecular consequence: missense variant.
Genome position (GRCh38, 1-based): chr3:55,007,835, C>T. VCF-style: chr3-55007835-C-T. GRCh37 (hg19) VCF-style: chr3-55041862-C-T.
Other names: short protein forms L938F.
Identifiers: ClinVar variation 2635319 (VCV002635319.1), dbSNP rs941796977, ClinGen allele CA74902971.
Genomic context (GRCh38, chr3:55,007,835, plus strand): 5'-AATTCTTCTCTTCAGCCTTATAATGCCTTCCTCTCTGCAGTAAAATGGATCATGACAGAA[C>T]TTGTCTTGTAAGTAAAATCTGCTGCATTTTTTTGAAAAGTATTAATATTTTCCTTTTTGT-3'
Protein context (NP_060868.2, residues 928-948): LSAVKWIMTE[Leu938Phe]VLFLVEFNLC